The following is an entry in ClinVar:

NM_033026.6(PCLO):c.2225C>A (p.Ser742Tyr)

Gene: PCLO (piccolo presynaptic cytomatrix protein; minus strand). Cytogenetic location: 7q21.11.
Variant type: single nucleotide variant.
Coding change: c.2225C>A on transcript NM_033026.6 (MANE Select); coding-DNA position 2225, C replaced by A.
Protein change: p.Ser742Tyr; replaces serine 742 with tyrosine.
Molecular consequence: missense variant.
Genome position (GRCh38, 1-based): chr7:83,135,325, G>T on the plus strand (C>A on the coding strand, the complement: PCLO is on the minus strand). VCF-style: chr7-83135325-G-T. GRCh37 (hg19) VCF-style: chr7-82764641-G-T.
Other names: c.2225C>A, p.Ser742Tyr (NM_014510.3); short protein forms S742Y.
Identifiers: ClinVar variation 2877578 (VCV002877578.3), dbSNP rs1470854695, ClinGen allele CA367903830.

ClinVar aggregate classification (germline): Uncertain significance (1 of 4 stars; one submission).

Allele frequency attached by ClinVar (database versions not stated): TOPMed below 0.00001; gnomAD 0.00001.
gnomAD v4.1: 1 of 1,613,814 alleles (0.000062%); highest among the groups gnomAD compares: Admixed American, 0.0017%; no homozygotes.

Submission:

Labcorp Genetics (formerly Invitae), Labcorp
Classification: Uncertain significance. Last evaluated: 2023-11-07. Review status: criteria provided, single submitter. Criteria: Invitae Variant Classification Sherloc (09022015). Collection method: clinical testing. Allele origin: germline.
Comment: This sequence change replaces serine, which is neutral and polar, with tyrosine, which is neutral and polar, at codon 742 of the PCLO protein (p.Ser742Tyr). This variant is not present in population databases (gnomAD no frequency). This variant has not been reported in the literature in individuals affected with PCLO-related conditions. Experimental studies and prediction algorithms are not available or were not evaluated, and the functional significance of this variant is currently unknown. In summary, the available evidence is currently insufficient to determine the role of this variant in disease. Therefore, it has been classified as a Variant of Uncertain Significance.